The following is an entry in ClinVar:

NM_001377334.1(PIK3C2B):c.4191C>T (p.His1397=)

Gene: PIK3C2B (phosphatidylinositol-4-phosphate 3-kinase catalytic subunit type 2 beta; minus strand). Cytogenetic location: 1q32.1.
Variant type: single nucleotide variant.
Coding change: c.4191C>T on transcript NM_001377334.1 (MANE Select); coding-DNA position 4191, C replaced by T.
Protein change: p.His1397=; no amino-acid change (histidine 1397 retained).
Molecular consequence: synonymous variant.
Genome position (GRCh38, 1-based): chr1:204,431,758, G>A on the plus strand (C>T on the coding strand, the complement: PIK3C2B is on the minus strand). VCF-style: chr1-204431758-G-A. GRCh37 (hg19) VCF-style: chr1-204400886-G-A.
Other names: c.4107C>T, p.His1369= (NM_001377335.1); c.4191C>T, p.His1397= (NM_002646.4).
Identifiers: ClinVar variation 3043943 (VCV003043943.2), dbSNP rs61748805, ClinGen allele CA1347214.

ClinVar aggregate classification (germline): Benign (0 of 4 stars; one submission).

Conditions:
PIK3C2B-related disorder. Also called: PIK3C2B-related condition.

Allele frequency attached by ClinVar (database versions not stated): 1000 Genomes Project 0.00739; 1000 Genomes Project 30x 0.00859; ESP Exome Variant Server 0.01061.

Submission:

PreventionGenetics, part of Exact Sciences
Classification: Benign for PIK3C2B-related condition. Last evaluated: 2024-06-19. Review status: no assertion criteria provided. Collection method: clinical testing. Allele origin: germline.
Comment: This variant is classified as benign based on ACMG/AMP sequence variant interpretation guidelines (Richards et al. 2015 PMID: 25741868, with internal and published modifications).